The following is an entry in ClinVar:

ClinVar aggregate classification (germline): Uncertain significance. Review status: criteria provided, multiple submitters, no conflicts (2 of 4 stars). 2 submissions from 2 submitters: Uncertain significance (2). Last evaluated 2025-10-08.

Allele frequency attached by ClinVar (database versions not stated): 1000 Genomes Project 30x 0.00016; 1000 Genomes Project 0.00020.
gnomAD v4.1: 11 of 1,613,848 alleles (0.00068%); highest among the groups gnomAD compares: East Asian, 0.011%; no homozygotes.

Submissions (2):

Labcorp Genetics (formerly Invitae), Labcorp
Classification: Uncertain significance. Last evaluated: 2025-10-08. Review status: criteria provided, single submitter. Criteria: Invitae Variant Classification Sherloc (09022015). Collection method: clinical testing. Allele origin: germline.
Comment: This sequence change replaces leucine, which is neutral and non-polar, with valine, which is neutral and non-polar, at codon 753 of the HMCN1 protein (p.Leu753Val). This variant is present in population databases (rs572872899, gnomAD 0.01%). This variant has not been reported in the literature in individuals affected with HMCN1-related conditions. ClinVar contains an entry for this variant (Variation ID: 2060367). An algorithm developed to predict the effect of missense changes on protein structure and function (PolyPhen-2) suggests that this variant is likely to be tolerated. In summary, the available evidence is currently insufficient to determine the role of this variant in disease. Therefore, it has been classified as a Variant of Uncertain Significance.

Ambry Genetics
Classification: Uncertain significance. Last evaluated: 2025-07-31. Review status: criteria provided, single submitter. Criteria: Ambry Variant Classification Scheme 2023. Collection method: clinical testing. Allele origin: germline.

NM_031935.3(HMCN1):c.2257C>G (p.Leu753Val)

Gene: HMCN1 (hemicentin 1; plus strand). Cytogenetic location: 1q31.1.
Variant type: single nucleotide variant.
Coding change: c.2257C>G on transcript NM_031935.3 (MANE Select); coding-DNA position 2257, C replaced by G.
Protein change: p.Leu753Val; replaces leucine 753 with valine.
Molecular consequence: missense variant.
Genome position (GRCh38, 1-based): chr1:185,970,379, C>G. VCF-style: chr1-185970379-C-G. GRCh37 (hg19) VCF-style: chr1-185939511-C-G.
Other names: c.2257C>G (NM_031935.2); short protein forms L753V.
Identifiers: ClinVar variation 2060367 (VCV002060367.5), dbSNP rs572872899, ClinGen allele CA1291343.